The following is an entry in ClinVar:

ClinVar aggregate classification (germline): Uncertain significance (1 of 4 stars; one submission).

Allele frequency attached by ClinVar (database versions not stated): gnomAD exomes below 0.00001; TOPMed below 0.00001.
gnomAD v4.1: 5 of 1,614,038 alleles (0.00031%); highest among the groups gnomAD compares: Middle Eastern, 0.016%; no homozygotes.

Submission:

GeneDx
Classification: Uncertain significance. Last evaluated: 2020-02-16. Review status: criteria provided, single submitter. Criteria: GeneDx Variant Classification Process June 2021. Collection method: clinical testing. Allele origin: germline. Affected: yes.
Comment: Not observed at a significant frequency in large population cohorts (Lek et al., 2016); In silico analysis supports that this missense variant has a deleterious effect on protein structure/function; Has not been previously published as pathogenic or benign to our knowledge

NM_001793.6(CDH3):c.2084G>A (p.Arg695His)

Gene: CDH3 (cadherin 3; plus strand). Cytogenetic location: 16q22.1.
Variant type: single nucleotide variant.
Coding change: c.2084G>A on transcript NM_001793.6 (MANE Select); coding-DNA position 2084, G replaced by A.
Protein change: p.Arg695His; replaces arginine 695 with histidine.
Molecular consequence: missense variant.
Genome position (GRCh38, 1-based): chr16:68,695,336, G>A. VCF-style: chr16-68695336-G-A. GRCh37 (hg19) VCF-style: chr16-68729239-G-A.
Other names: c.2084G>A, p.Arg695His (NM_001317195.3); c.1919G>A, p.Arg640His (NM_001317196.2); short protein forms R640H, R695H.
Identifiers: ClinVar variation 1313760 (VCV001313760.2), dbSNP rs1275945771, ClinGen allele CA396456033.